The following is an entry in ClinVar:

ClinVar aggregate classification (germline): Conflicting classifications of pathogenicity. Review status: criteria provided, conflicting classifications (1 of 4 stars). 2 submissions from 2 submitters: Likely pathogenic (1); Uncertain significance (1). Last evaluated 2025-11-21.

Conditions:
Epilepsy, childhood absence 4 (ECA4). Also called: EPILEPSY, CHILDHOOD ABSENCE, SUSCEPTIBILITY TO, 4. Identifiers: Orphanet 307, MedGen C1970160.
Idiopathic generalized epilepsy. Also called: EIG; Generalised epilepsy. Identifiers: MedGen C0270850, MONDO:0005579, OMIM 600669.
Epilepsy, idiopathic generalized, susceptibility to, 13. Also called: EPILEPSY, JUVENILE MYOCLONIC, SUSCEPTIBILITY TO, 5. Identifiers: Orphanet 307, Orphanet 64280, MedGen C4013473, MONDO:0012627, OMIM 611136.

Allele frequency attached by ClinVar (database versions not stated): gnomAD exomes below 0.00001.
gnomAD v4.1: 2 of 1,613,212 alleles (0.00012%); highest among the groups gnomAD compares: Non-Finnish European, 0.000085%; no homozygotes.

Submissions (2):

GeneDx
Classification: Likely pathogenic. Last evaluated: 2025-11-21. Review status: criteria provided, single submitter. Criteria: GeneDx Variant Classification Process June 2021. Collection method: clinical testing. Allele origin: germline.
Comment: In silico analysis supports that this missense variant has a deleterious effect on protein structure/function; Has not been previously published as pathogenic or benign to our knowledge; Not observed at significant frequency in large population cohorts (gnomAD); This variant is associated with the following publications: (PMID: 38014242)

Labcorp Genetics (formerly Invitae), Labcorp
Classification: Uncertain significance for Epilepsy, childhood absence 4; Epilepsy, idiopathic generalized, susceptibility to, 13; Idiopathic generalized epilepsy. Last evaluated: 2025-03-15. Review status: criteria provided, single submitter. Criteria: Invitae Variant Classification Sherloc (09022015). Collection method: clinical testing. Allele origin: germline.
Comment: This sequence change replaces arginine, which is basic and polar, with cysteine, which is neutral and slightly polar, at codon 204 of the GABRA1 protein (p.Arg204Cys). This variant is not present in population databases (gnomAD no frequency). This variant has not been reported in the literature in individuals affected with GABRA1-related conditions. ClinVar contains an entry for this variant (Variation ID: 2499289). Invitae Evidence Modeling of protein sequence and biophysical properties (such as structural, functional, and spatial information, amino acid conservation, physicochemical variation, residue mobility, and thermodynamic stability) has been performed for this missense variant. However, the output from this modeling did not meet the statistical confidence thresholds required to predict the impact of this variant on GABRA1 protein function. In summary, the available evidence is currently insufficient to determine the role of this variant in disease. Therefore, it has been classified as a Variant of Uncertain Significance.

NM_001127644.2(GABRA1):c.610C>T (p.Arg204Cys)

Gene: GABRA1 (gamma-aminobutyric acid type A receptor subunit alpha1; plus strand). Cytogenetic location: 5q34.
Variant type: single nucleotide variant.
Coding change: c.610C>T on transcript NM_001127644.2 (MANE Select); coding-DNA position 610, C replaced by T.
Protein change: p.Arg204Cys; replaces arginine 204 with cysteine.
Molecular consequence: missense variant.
Genome position (GRCh38, 1-based): chr5:161,882,608, C>T. VCF-style: chr5-161882608-C-T. GRCh37 (hg19) VCF-style: chr5-161309614-C-T.
Other names: c.610C>T, p.Arg204Cys (NM_000806.5, NM_001127643.2, NM_001127645.2 and 1 more transcripts); short protein forms R204C.
Identifiers: ClinVar variation 2499289 (VCV002499289.5), dbSNP rs2532261795, ClinGen allele CA362179500.